The following is an entry in ClinVar:

NM_002578.5(PAK3):c.145C>T (p.Arg49Cys)

Genes: PAK3 (p21 (RAC1) activated kinase 3; plus strand), LOC130068562 (ATAC-STARR-seq lymphoblastoid active region 29857; plus strand). Cytogenetic location: Xq23.
Variant type: single nucleotide variant.
Coding change: c.145C>T on transcript NM_002578.5 (MANE Select); coding-DNA position 145, C replaced by T.
Protein change: p.Arg49Cys; replaces arginine 49 with cysteine.
Molecular consequence: missense variant. On other transcripts: non-coding transcript variant (9).
Genome position (GRCh38, 1-based): chrX:111,123,248, C>T. VCF-style: chrX-111123248-C-T. GRCh37 (hg19) VCF-style: chrX-110366476-C-T.
Other names: c.145C>T, p.Arg49Cys (NM_001128166.3, NM_001128167.3, NM_001128168.3 and 12 more transcripts); short protein forms R49C.
Identifiers: ClinVar variation 1211944 (VCV001211944.9), dbSNP rs2149003229, ClinGen allele CA414239561.

ClinVar aggregate classification (germline): Uncertain significance. Review status: criteria provided, multiple submitters, no conflicts (2 of 4 stars). 2 submissions from 2 submitters: Uncertain significance (2). Last evaluated 2025-09-17.

Submissions (2):

GeneDx
Classification: Uncertain significance. Last evaluated: 2025-09-17. Review status: criteria provided, single submitter. Criteria: GeneDx Variant Classification Process June 2021. Collection method: clinical testing. Allele origin: germline. Affected: yes.
Comment: Not observed at significant frequency in large population cohorts (gnomAD); In silico analysis supports that this missense variant has a deleterious effect on protein structure/function; In silico analysis is inconclusive as to whether the variant alters gene splicing. In the absence of RNA/functional studies, the actual effect of this sequence change is unknown.; Has not been previously published as pathogenic or benign to our knowledge

Labcorp Genetics (formerly Invitae), Labcorp
Classification: Uncertain significance. Last evaluated: 2021-12-06. Review status: criteria provided, single submitter. Criteria: Invitae Variant Classification Sherloc (09022015). Collection method: clinical testing. Allele origin: germline.
Comment: In summary, the available evidence is currently insufficient to determine the role of this variant in disease. Therefore, it has been classified as a Variant of Uncertain Significance. Algorithms developed to predict the effect of missense changes on protein structure and function are either unavailable or do not agree on the potential impact of this missense change (SIFT: "Not Available"; PolyPhen-2: "Possibly Damaging"; Align-GVGD: "Not Available"). This sequence change replaces arginine, which is basic and polar, with cysteine, which is neutral and slightly polar, at codon 49 of the PAK3 protein (p.Arg49Cys). This variant is not present in population databases (gnomAD no frequency). This variant has not been reported in the literature in individuals affected with PAK3-related conditions. ClinVar contains an entry for this variant (Variation ID: 1211944).